The following is an entry in ClinVar:

NM_020964.3(EPG5):c.1664_1666del (p.Glu555del)

Gene: EPG5 (ectopic P-granules 5 autophagy tethering factor; minus strand). Cytogenetic location: 18q21.1.
Variant type: Deletion.
Coding change: c.1664_1666del on transcript NM_020964.3 (MANE Select); coding-DNA positions 1664 to 1666, 3 bases deleted (AAG; older notation c.1664_1666delAAG).
Protein change: p.Glu555del; deletes glutamic acid 555.
Molecular consequence: inframe deletion.
Genome position (GRCh38, 1-based): chr18:45,946,674-45,946,676, CTT deleted on the plus strand (AAG on the coding strand, the reverse complement: EPG5 is on the minus strand); deleting any 3 consecutive bases within chr18:45,946,674-45,946,677 gives the same sequence; the c. name uses the placement nearest the transcript's 3' end. VCF-style (leftmost placement, unchanged base first): chr18-45946673-CCTT-C. GRCh37 (hg19) VCF-style: chr18-43526639-CCTT-C.
Other names: c.1664_1666del, p.Glu555del (LRG_1234t1); c.1664_1666delAAG (NM_020964.2); short protein forms E555del.
Identifiers: ClinVar variation 583217 (VCV000583217.9), dbSNP rs1568179586, ClinGen allele CA891843599.
Genomic context (GRCh38, chr18:45,946,673, plus strand): 5'-AAGAAGAGTTCACAATGATTCATCAAAATAATGCAGATATGACAAGTTACCTCTTCTCCT[CCTT>C]CGTCTACTAGCGTCCAAGTCCCAGACCCAGGCCCTGAGGAGGATGGCTTCCGCTCGCTGG-3'

ClinVar aggregate classification (germline): Uncertain significance. Review status: criteria provided, multiple submitters, no conflicts (2 of 4 stars). 2 submissions from 2 submitters: Uncertain significance (2). Last evaluated 2023-07-03.

Conditions:
Vici syndrome (VICIS). Identifiers: Orphanet 1493, MedGen C1855772, MONDO:0009452, OMIM 242840.

Submissions (2):

GeneDx
Classification: Uncertain significance. Last evaluated: 2023-07-03. Review status: criteria provided, single submitter. Criteria: GeneDx Variant Classification Process June 2021. Collection method: clinical testing. Allele origin: germline. Affected: yes.
Comment: In-frame deletion of 1 amino acid in a non-repeat region; In silico analysis, which includes protein predictors and evolutionary conservation, supports a deleterious effect; Not observed in large population cohorts (gnomAD); Has not been previously published as pathogenic or benign to our knowledge

Labcorp Genetics (formerly Invitae), Labcorp
Classification: Uncertain significance for Vici syndrome. Last evaluated: 2021-08-27. Review status: criteria provided, single submitter. Criteria: Invitae Variant Classification Sherloc (09022015). Collection method: clinical testing. Allele origin: germline.
Comment: This variant, c.1664_1666del, results in the deletion of 1 amino acid(s) of the EPG5 protein (p.Glu555del), but otherwise preserves the integrity of the reading frame. This variant is not present in population databases (ExAC no frequency). This variant has not been reported in the literature in individuals affected with EPG5-related conditions. Experimental studies and prediction algorithms are not available or were not evaluated, and the functional significance of this variant is currently unknown. In summary, the available evidence is currently insufficient to determine the role of this variant in disease. Therefore, it has been classified as a Variant of Uncertain Significance.